The following is an entry in ClinVar:

NM_001375567.1(FOCAD):c.4626A>G (p.Pro1542=)

Gene: FOCAD (focadhesin; plus strand). Cytogenetic location: 9p21.3.
Variant type: single nucleotide variant.
Coding change: c.4626A>G on transcript NM_001375567.1 (MANE Select); coding-DNA position 4626, A replaced by G.
Protein change: p.Pro1542=; no amino-acid change (proline 1542 retained).
Molecular consequence: synonymous variant.
Genome position (GRCh38, 1-based): chr9:20,981,674, A>G. VCF-style: chr9-20981674-A-G. GRCh37 (hg19) VCF-style: chr9-20981673-A-G.
Other names: c.4521A>G, p.Pro1507= (NM_001375568.1, NM_001375570.1); c.4626A>G, p.Pro1542= (NM_017794.5).
Identifiers: ClinVar variation 4754303 (VCV004754303.1).

ClinVar aggregate classification (germline): Uncertain significance (1 of 4 stars; one submission).

gnomAD v4.1: 44 of 1,608,048 alleles (0.0027%); highest among the groups gnomAD compares: South Asian, 0.048%; no homozygotes.

Submission:

Labcorp Genetics (formerly Invitae), Labcorp
Classification: Uncertain significance. Last evaluated: 2025-04-03. Review status: criteria provided, single submitter. Criteria: Invitae Variant Classification Sherloc (09022015). Collection method: clinical testing. Allele origin: germline.
Comment: This sequence change affects codon 1542 of the FOCAD mRNA. It is a 'silent' change, meaning that it does not change the encoded amino acid sequence of the FOCAD protein. This variant is present in population databases (rs756788668, gnomAD 0.04%). This variant has not been reported in the literature in individuals affected with FOCAD-related conditions. Experimental studies and prediction algorithms are not available or were not evaluated, and the effect of this variant on mRNA splicing is currently unknown. In summary, the available evidence is currently insufficient to determine the role of this variant in disease. Therefore, it has been classified as a Variant of Uncertain Significance.